The following is an entry in ClinVar:

NM_001283009.2(RTEL1):c.2567G>A (p.Cys856Tyr)

Genes: RTEL1 (regulator of telomere elongation helicase 1; plus strand), RTEL1-TNFRSF6B (RTEL1-TNFRSF6B readthrough (NMD candidate); plus strand). Cytogenetic location: 20q13.33.
Variant type: single nucleotide variant.
Coding change: c.2567G>A on transcript NM_001283009.2 (MANE Select); coding-DNA position 2567, G replaced by A.
Protein change: p.Cys856Tyr; replaces cysteine 856 with tyrosine.
Molecular consequence: missense variant. On other transcripts: non-coding transcript variant (1).
Genome position (GRCh38, 1-based): chr20:63,691,752, G>A. VCF-style: chr20-63691752-G-A. GRCh37 (hg19) VCF-style: chr20-62323105-G-A.
Other names: c.1898G>A, p.Cys633Tyr (NM_001283010.1); c.2567G>A, p.Cys856Tyr (NM_016434.4); c.2639G>A, p.Cys880Tyr (NM_032957.5); short protein forms C633Y, C856Y, C880Y.
Identifiers: ClinVar variation 2933707 (VCV002933707.4), dbSNP rs1398820483, ClinGen allele CA409682237.
Genomic context (GRCh38, chr20:63,691,752, plus strand): 5'-AGAGTGTGTGGTTGGGGTCTGTGTGTGGTTGTGAGCTGTGTCCTCCTCAGGCCCACAGCT[G>A]CTCCACCCTGTCCCTCCTGTCTGAGAAGAGGCCGGCAGAAGAACCGCGAGGAGGGAGGAA-3'
Protein context (NP_001269938.1, residues 846-866): GSPGEEQAHS[Cys856Tyr]STLSLLSEKR

ClinVar aggregate classification (germline): Uncertain significance. Review status: criteria provided, multiple submitters, no conflicts (2 of 4 stars). 2 submissions from 2 submitters: Uncertain significance (2). Last evaluated 2025-12-15.

Conditions:
Inborn genetic diseases. Identifiers: MedGen C0950123, MeSH D030342.
Dyskeratosis congenita, autosomal recessive 5 (DKCB5). Identifiers: MedGen C3554656, MONDO:0014076, OMIM 615190.
Pulmonary fibrosis and/or bone marrow failure, Telomere-related, 3. Also called: PULMONARY FIBROSIS AND/OR BONE MARROW FAILURE SYNDROME, TELOMERE-RELATED, 3. Identifiers: Orphanet 2032, MedGen C4225346, MONDO:0014613, OMIM 616373.

Submissions (2):

Ambry Genetics
Classification: Uncertain significance for Inborn genetic diseases. Last evaluated: 2025-12-15. Review status: criteria provided, single submitter. Criteria: Ambry Variant Classification Scheme 2023. Collection method: clinical testing. Allele origin: germline.
Comment: The p.C856Y variant (also known as c.2567G>A), located in coding exon 27 of the RTEL1 gene, results from a G to A substitution at nucleotide position 2567. The cysteine at codon 856 is replaced by tyrosine, an amino acid with highly dissimilar properties. This amino acid position is conserved. In addition, this alteration is predicted to be tolerated by in silico analysis. Based on the available evidence, the clinical significance of this variant remains unclear.

Labcorp Genetics (formerly Invitae), Labcorp
Classification: Uncertain significance for Dyskeratosis congenita, autosomal recessive 5; Pulmonary fibrosis and/or bone marrow failure, Telomere-related, 3. Last evaluated: 2023-09-20. Review status: criteria provided, single submitter. Criteria: Invitae Variant Classification Sherloc (09022015). Collection method: clinical testing. Allele origin: germline.
Comment: This variant has not been reported in the literature in individuals affected with RTEL1-related conditions. This variant is not present in population databases (gnomAD no frequency). This sequence change replaces cysteine, which is neutral and slightly polar, with tyrosine, which is neutral and polar, at codon 856 of the RTEL1 protein (p.Cys856Tyr). Algorithms developed to predict the effect of missense changes on protein structure and function output the following: SIFT: "Not Available"; PolyPhen-2: "Benign"; Align-GVGD: "Not Available". The tyrosine amino acid residue is found in multiple mammalian species, which suggests that this missense change does not adversely affect protein function. In summary, the available evidence is currently insufficient to determine the role of this variant in disease. Therefore, it has been classified as a Variant of Uncertain Significance.